The following is an entry in ClinVar:

ClinVar aggregate classification (germline): Likely benign. Review status: criteria provided, multiple submitters, no conflicts (2 of 4 stars). 2 submissions from 2 submitters: Likely benign (2). Last evaluated 2025-07-06.

Allele frequency attached by ClinVar (database versions not stated): ExAC 0.00002; gnomAD exomes 0.00003; gnomAD 0.00004 and 0.00005; TOPMed 0.00004.
gnomAD v4.1: 52 of 1,614,046 alleles (0.0032%); highest among the groups gnomAD compares: Middle Eastern, 0.017%; no homozygotes.

Submissions (2):

Labcorp Genetics (formerly Invitae), Labcorp
Classification: Likely benign. Last evaluated: 2025-07-06. Review status: criteria provided, single submitter. Criteria: Invitae Variant Classification Sherloc (09022015). Collection method: clinical testing. Allele origin: germline.

CeGaT Center for Human Genetics Tuebingen
Classification: Likely benign. Last evaluated: 2025-06-01. Review status: criteria provided, single submitter. Criteria: CeGaT Center For Human Genetics Tuebingen Variant Classification Criteria Version 2. Collection method: clinical testing. Allele origin: germline. Affected: yes. Observed: 1 variant allele.
Comment: CLCC1: BP4, BP7

NM_001377458.1(CLCC1):c.1449G>A (p.Pro483=)

Gene: CLCC1 (chloride channel CLIC like 1; minus strand). Cytogenetic location: 1p13.3.
Variant type: single nucleotide variant.
Coding change: c.1449G>A on transcript NM_001377458.1 (MANE Select); coding-DNA position 1449, G replaced by A.
Protein change: p.Pro483=; no amino-acid change (proline 483 retained).
Molecular consequence: synonymous variant. On other transcripts: non-coding transcript variant (1).
Genome position (GRCh38, 1-based): chr1:108,934,877, C>T on the plus strand (G>A on the coding strand, the complement: CLCC1 is on the minus strand). VCF-style: chr1-108934877-C-T. GRCh37 (hg19) VCF-style: chr1-109477499-C-T.
Other names: c.1449G>A, p.Pro483= (NM_001048210.3, NM_001377459.1, NM_001377460.1 and 8 more transcripts); c.1086G>A, p.Pro362= (NM_001278202.2); c.894G>A, p.Pro298= (NM_001278203.1); c.1347G>A, p.Pro449= (NM_001377469.1); c.1158G>A, p.Pro386= (NM_001377470.1); c.1299G>A, p.Pro433= (NM_015127.5).
Identifiers: ClinVar variation 1097805 (VCV001097805.17), dbSNP rs776756029, ClinGen allele CA983325.